The following is an entry in ClinVar:

ClinVar aggregate classification (germline): Uncertain significance. Review status: criteria provided, multiple submitters, no conflicts (2 of 4 stars). 3 submissions from 3 submitters: Uncertain significance (3). Last evaluated 2024-03-21.

Conditions:
Chédiak-Higashi syndrome (CHS). Also called: Chediak-Higashi Syndrome. Identifiers: Orphanet 167, MedGen C0007965, MONDO:0008963, OMIM 214500.
Inborn genetic diseases. Identifiers: MedGen C0950123, MeSH D030342.

Allele frequency attached by ClinVar (database versions not stated): gnomAD exomes 0.00004; gnomAD 0.00005; TOPMed 0.00006; ESP Exome Variant Server 0.00008; ExAC 0.00010.
gnomAD v4.1: 64 of 1,608,658 alleles (0.004%); highest among the groups gnomAD compares: Middle Eastern, 0.016%; no homozygotes.

Submissions (3):

Mayo Clinic Laboratories, Mayo Clinic
Classification: Uncertain significance. Last evaluated: 2024-03-21. Review status: criteria provided, single submitter. Criteria: ACMG Guidelines, 2015. Collection method: clinical testing. Allele origin: germline. Observed: 1 variant allele.
Comment: BP4, PP2

Ambry Genetics
Classification: Uncertain significance for Inborn genetic diseases. Last evaluated: 2023-12-30. Review status: criteria provided, single submitter. Criteria: Ambry Variant Classification Scheme 2023. Collection method: clinical testing. Allele origin: germline.

Labcorp Genetics (formerly Invitae), Labcorp
Classification: Uncertain significance for Chédiak-Higashi syndrome. Last evaluated: 2022-10-17. Review status: criteria provided, single submitter. Criteria: Invitae Variant Classification Sherloc (09022015). Collection method: clinical testing. Allele origin: germline.
Comment: This sequence change replaces glycine, which is neutral and non-polar, with arginine, which is basic and polar, at codon 1247 of the LYST protein (p.Gly1247Arg). This variant is present in population databases (rs199898370, gnomAD 0.02%). This variant has not been reported in the literature in individuals affected with LYST-related conditions. ClinVar contains an entry for this variant (Variation ID: 841716). Algorithms developed to predict the effect of missense changes on protein structure and function output the following: SIFT: "Tolerated"; PolyPhen-2: "Benign"; Align-GVGD: "Class C0". The arginine amino acid residue is found in multiple mammalian species, which suggests that this missense change does not adversely affect protein function. In summary, the available evidence is currently insufficient to determine the role of this variant in disease. Therefore, it has been classified as a Variant of Uncertain Significance.

NM_000081.4(LYST):c.3739G>C (p.Gly1247Arg)

Gene: LYST (lysosomal trafficking regulator; minus strand). Cytogenetic location: 1q42.3.
Variant type: single nucleotide variant.
Coding change: c.3739G>C on transcript NM_000081.4 (MANE Select); coding-DNA position 3739, G replaced by C.
Protein change: p.Gly1247Arg; replaces glycine 1247 with arginine.
Molecular consequence: missense variant.
Genome position (GRCh38, 1-based): chr1:235,801,071, C>G on the plus strand (G>C on the coding strand, the complement: LYST is on the minus strand). VCF-style: chr1-235801071-C-G. GRCh37 (hg19) VCF-style: chr1-235964371-C-G.
Other names: p.Gly1247Arg; c.3739G>C, p.Gly1247Arg (NM_001301365.1); c.3739G>C (NM_000081.2); short protein forms G1247R.
Identifiers: ClinVar variation 841716 (VCV000841716.6), dbSNP rs199898370, ClinGen allele CA1466992.